The following is an entry in ClinVar:

NM_015001.3(SPEN):c.5159A>G (p.Glu1720Gly)

Gene: SPEN (spen family transcriptional repressor; plus strand). Cytogenetic location: 1p36.13.
Variant type: single nucleotide variant.
Coding change: c.5159A>G on transcript NM_015001.3 (MANE Select); coding-DNA position 5159, A replaced by G.
Protein change: p.Glu1720Gly; replaces glutamic acid 1720 with glycine.
Molecular consequence: missense variant.
Genome position (GRCh38, 1-based): chr1:15,931,399, A>G. VCF-style: chr1-15931399-A-G. GRCh37 (hg19) VCF-style: chr1-16257894-A-G.
Other names: short protein forms E1720G.
Identifiers: ClinVar variation 3370227 (VCV003370227.1).

ClinVar aggregate classification (germline): Uncertain significance (1 of 4 stars; one submission).

Submission:

GeneDx
Classification: Uncertain significance. Last evaluated: 2023-12-21. Review status: criteria provided, single submitter. Criteria: GeneDx Variant Classification Process June 2021. Collection method: clinical testing. Allele origin: germline. Affected: yes.
Comment: Not observed at significant frequency in large population cohorts (gnomAD); In silico analysis supports that this missense variant does not alter protein structure/function; Has not been previously published as pathogenic or benign to our knowledge